The following is an entry in ClinVar:

NM_001110556.2(FLNA):c.2048A>C (p.Glu683Ala)

Gene: FLNA (filamin A; minus strand). Cytogenetic location: Xq28.
Variant type: single nucleotide variant.
Coding change: c.2048A>C on transcript NM_001110556.2 (MANE Select); coding-DNA position 2048, A replaced by C.
Protein change: p.Glu683Ala; replaces glutamic acid 683 with alanine.
Molecular consequence: missense variant.
Genome position (GRCh38, 1-based): chrX:154,364,347, T>G on the plus strand (A>C on the coding strand, the complement: FLNA is on the minus strand). VCF-style: chrX-154364347-T-G. GRCh37 (hg19) VCF-style: chrX-153592715-T-G.
Other names: c.2048A>C, p.Glu683Ala (NM_001456.4); short protein forms E683A.
Identifiers: ClinVar variation 4057167 (VCV004057167.1).

ClinVar aggregate classification (germline): Uncertain significance (1 of 4 stars; one submission).

Submission:

GeneDx
Classification: Uncertain significance. Last evaluated: 2025-01-13. Review status: criteria provided, single submitter. Criteria: GeneDx Variant Classification Process June 2021. Collection method: clinical testing. Allele origin: germline. Affected: yes.
Comment: Not observed at significant frequency in large population cohorts (gnomAD); In silico analysis supports that this missense variant has a deleterious effect on protein structure/function; Has not been previously published as pathogenic or benign to our knowledge